The following is an entry in ClinVar:

ClinVar aggregate classification (germline): Uncertain significance (1 of 4 stars; one submission).

Conditions:
Walker-Warburg congenital muscular dystrophy. Also called: Muscular dystrophy-dystroglycanopathy, type A; Walker-Warburg syndrome. Identifiers: Orphanet 899, MedGen C0265221, MONDO:0000171.

Allele frequency attached by ClinVar (database versions not stated): TOPMed 0.00001.

Submission:

Labcorp Genetics (formerly Invitae), Labcorp
Classification: Uncertain significance for Walker-Warburg congenital muscular dystrophy. Last evaluated: 2022-03-23. Review status: criteria provided, single submitter. Criteria: Invitae Variant Classification Sherloc (09022015). Collection method: clinical testing. Allele origin: germline.
Comment: In summary, the available evidence is currently insufficient to determine the role of this variant in disease. Therefore, it has been classified as a Variant of Uncertain Significance. Algorithms developed to predict the effect of missense changes on protein structure and function are either unavailable or do not agree on the potential impact of this missense change (SIFT: "Deleterious"; PolyPhen-2: "Benign"; Align-GVGD: "Class C0"). ClinVar contains an entry for this variant (Variation ID: 663835). This variant has not been reported in the literature in individuals affected with FKTN-related conditions. This variant is not present in population databases (gnomAD no frequency). This sequence change replaces isoleucine, which is neutral and non-polar, with phenylalanine, which is neutral and non-polar, at codon 171 of the FKTN protein (p.Ile171Phe).

NM_001079802.2(FKTN):c.511A>T (p.Ile171Phe)

Gene: FKTN (fukutin; plus strand). Cytogenetic location: 9q31.2.
Variant type: single nucleotide variant.
Coding change: c.511A>T on transcript NM_001079802.2 (MANE Select); coding-DNA position 511, A replaced by T.
Protein change: p.Ile171Phe; replaces isoleucine 171 with phenylalanine.
Molecular consequence: missense variant. On other transcripts: non-coding transcript variant (2).
Genome position (GRCh38, 1-based): chr9:105,604,356, A>T. VCF-style: chr9-105604356-A-T. GRCh37 (hg19) VCF-style: chr9-108366637-A-T.
Other names: c.511A>T, p.Ile171Phe (NM_001198963.2, NM_001351496.2, NM_001351498.2 and 1 more transcripts); c.442A>T, p.Ile148Phe (NM_001351497.2); c.115A>T, p.Ile39Phe (NM_001351499.2, NM_001351500.2, NM_001351501.2 and 1 more transcripts); short protein forms I148F, I39F, I171F.
Identifiers: ClinVar variation 663835 (VCV000663835.8), dbSNP rs1432918466, ClinGen allele CA374332147.